The following is an entry in ClinVar:

ClinVar aggregate classification (germline): Pathogenic (1 of 4 stars; one submission).

Conditions:
Fanconi anemia (FA). Also called: Fanconi's anemia. Identifiers: Orphanet 84, MedGen C0015625, MeSH D005199, MONDO:0019391.

Allele frequency attached by ClinVar (database versions not stated): gnomAD exomes below 0.00001.
gnomAD v4.1: 1 of 1,613,644 alleles (0.000062%); highest among the groups gnomAD compares: Non-Finnish European, 0.000085%; no homozygotes.

Submission:

Labcorp Genetics (formerly Invitae), Labcorp
Classification: Pathogenic for Fanconi anemia. Last evaluated: 2023-08-05. Review status: criteria provided, single submitter. Criteria: Invitae Variant Classification Sherloc (09022015). Collection method: clinical testing. Allele origin: germline.
Comment: This sequence change creates a premature translational stop signal (p.Gln672*) in the FANCI gene. It is expected to result in an absent or disrupted protein product. Loss-of-function variants in FANCI are known to be pathogenic (PMID: 17452773, 17460694). This variant is not present in population databases (gnomAD no frequency). This variant has not been reported in the literature in individuals affected with FANCI-related conditions. For these reasons, this variant has been classified as Pathogenic.

Literature cited by the submitters: PubMed 17452773; PubMed 17460694.

NM_001113378.2(FANCI):c.2014C>T (p.Gln672Ter)

Gene: FANCI (FA complementation group I; plus strand). Cytogenetic location: 15q26.1.
Variant type: single nucleotide variant.
Coding change: c.2014C>T on transcript NM_001113378.2 (MANE Select); coding-DNA position 2014, C replaced by T.
Protein change: p.Gln672Ter; replaces glutamine 672 with a stop codon.
Molecular consequence: nonsense.
Genome position (GRCh38, 1-based): chr15:89,292,709, C>T. VCF-style: chr15-89292709-C-T. GRCh37 (hg19) VCF-style: chr15-89835940-C-T.
Other names: c.1735C>T, p.Gln579Ter (NM_001376910.1); c.2014C>T, p.Gln672Ter (NM_001376911.1, NM_018193.3); short protein forms Q579*, Q672*.
Identifiers: ClinVar variation 2733778 (VCV002733778.3), dbSNP rs2507390142, ClinGen allele CA393748897.